The following continues an entry in ClinVar:

NM_000059.4(BRCA2):c.4876_4877del (p.Asn1626fs)

Gene: BRCA2. ClinVar aggregate classification (germline): Pathogenic. Pathogenic (1).

Submissions 22 to 24 of 24:

Research Molecular Genetics Laboratory, Women's College Hospital, University of Toronto
Classification: Pathogenic for Hereditary breast ovarian cancer syndrome. Last evaluated: 2014-01-31. Review status: no assertion criteria provided. Collection method: research. Allele origin: germline. Affected: yes. Study: The Canadian Open Genetics Repository (COGR). Not counted in ClinVar's aggregate classification.

Sharing Clinical Reports Project (SCRP)
Classification: Pathogenic for Breast-ovarian cancer, familial 2. Last evaluated: 2012-06-04. Review status: no assertion criteria provided. Collection method: clinical testing. Allele origin: germline. Not counted in ClinVar's aggregate classification.

Breast Cancer Information Core (BIC) (BRCA2)
Classification: Pathogenic for Breast-ovarian cancer, familial 2. Last evaluated: 2002-05-29. Review status: no assertion criteria provided. Collection method: clinical testing. Allele origin: germline. Affected: yes. Observed: 13 variant alleles. Not counted in ClinVar's aggregate classification.

Literature cited by the submitters: PubMed 20104584 (cited by Labcorp Genetics (formerly Invitae), Labcorp); PubMed 11179017 (cited by 8 submitters); PubMed 21952622 (cited by 8 submitters); PubMed 23524863 (cited by 5 submitters); PubMed 24556621 (cited by 9 submitters); PubMed 26787237 (cited by 8 submitters); PubMed 28008555 (cited by 5 submitters); PubMed 11759652 (cited by Ambry Genetics); PubMed 15131399 (cited by Ambry Genetics); PubMed 20609468 (cited by Ambry Genetics and Color Diagnostics, LLC DBA Color Health); PubMed 21324516 (cited by Ambry Genetics and Women's Health and Genetics/Laboratory Corporation of America, LabCorp); PubMed 27989354 (cited by 6 submitters); PubMed 28087643 (cited by 3 submitters); PubMed 28503720 (cited by 5 submitters); PubMed 29489754 (cited by Ambry Genetics and Quest Diagnostics Nichols Institute San Juan Capistrano); PubMed 29915322 (cited by 4 submitters); PubMed 30340782 (cited by Ambry Genetics and Quest Diagnostics Nichols Institute San Juan Capistrano); PubMed 33113089 (cited by Ambry Genetics and Quest Diagnostics Nichols Institute San Juan Capistrano); PubMed 33302456 (cited by Ambry Genetics and Quest Diagnostics Nichols Institute San Juan Capistrano); PubMed 33471991 (cited by 3 submitters); PubMed 22006311 (cited by Color Diagnostics, LLC DBA Color Health and Counsyl); PubMed 24728189 (cited by Color Diagnostics, LLC DBA Color Health and Women's Health and Genetics/Laboratory Corporation of America, LabCorp); PubMed 26681312 (cited by 5 submitters); PubMed 29684080 (cited by Quest Diagnostics Nichols Institute San Juan Capistrano); PubMed 34761457 (cited by Quest Diagnostics Nichols Institute San Juan Capistrano); PubMed 32719484 (cited by Quest Diagnostics Nichols Institute San Juan Capistrano); PubMed 35441217 (cited by Quest Diagnostics Nichols Institute San Juan Capistrano); PubMed 36169650 (cited by Quest Diagnostics Nichols Institute San Juan Capistrano); PubMed 29446198 (cited by 3 submitters); PubMed 32853339 (cited by Quest Diagnostics Nichols Institute San Juan Capistrano); PubMed 26295337 (cited by Quest Diagnostics Nichols Institute San Juan Capistrano); PubMed 24082139 (cited by 3 submitters); PubMed 17148771 (cited by Women's Health and Genetics/Laboratory Corporation of America, LabCorp).